The following is an entry in ClinVar:

NM_001843.4(CNTN1):c.2795C>A (p.Ser932Ter)

Gene: CNTN1 (contactin 1; plus strand). Cytogenetic location: 12q12.
Variant type: single nucleotide variant.
Coding change: c.2795C>A on transcript NM_001843.4 (MANE Select); coding-DNA position 2795, C replaced by A.
Protein change: p.Ser932Ter; replaces serine 932 with a stop codon.
Molecular consequence: nonsense.
Genome position (GRCh38, 1-based): chr12:41,027,941, C>A. VCF-style: chr12-41027941-C-A. GRCh37 (hg19) VCF-style: chr12-41421743-C-A.
Other names: c.2762C>A, p.Ser921Ter (NM_175038.2); short protein forms S932*, S921*.
Identifiers: ClinVar variation 469421 (VCV000469421.9), dbSNP rs1555201269, ClinGen allele CA384587984.

ClinVar aggregate classification (germline): Pathogenic (1 of 4 stars; one submission).

Conditions:
Compton-North congenital myopathy (CMYO12). Identifiers: Orphanet 210163, MedGen C2675527, MONDO:0012929, OMIM 612540.

Submission:

Labcorp Genetics (formerly Invitae), Labcorp
Classification: Pathogenic for Compton-North congenital myopathy. Last evaluated: 2021-02-25. Review status: criteria provided, single submitter. Criteria: Invitae Variant Classification Sherloc (09022015). Collection method: clinical testing. Allele origin: germline.
Comment: This variant has not been reported in the literature in individuals with CNTN1-related conditions. ClinVar contains an entry for this variant (Variation ID: 469421). This sequence change creates a premature translational stop signal (p.Ser932*) in the CNTN1 gene. It is expected to result in an absent or disrupted protein product. This variant is not present in population databases (ExAC no frequency). Loss-of-function variants in CNTN1 are known to be pathogenic (PMID: 19026398, 22242131). For these reasons, this variant has been classified as Pathogenic.

Literature cited by the submitters: PubMed 19026398; PubMed 22242131.